The following is an entry in ClinVar:

ClinVar aggregate classification (germline): Uncertain significance (1 of 4 stars; one submission).

Allele frequency attached by ClinVar (database versions not stated): TOPMed below 0.00001; gnomAD 0.00001; gnomAD exomes 0.00001.

Submission:

Labcorp Genetics (formerly Invitae), Labcorp
Classification: Uncertain significance. Last evaluated: 2022-02-22. Review status: criteria provided, single submitter. Criteria: Invitae Variant Classification Sherloc (09022015). Collection method: clinical testing. Allele origin: germline.
Comment: This sequence change replaces arginine, which is basic and polar, with glutamine, which is neutral and polar, at codon 141 of the SLC25A12 protein (p.Arg141Gln). This variant is not present in population databases (gnomAD no frequency). This variant has not been reported in the literature in individuals affected with SLC25A12-related conditions. ClinVar contains an entry for this variant (Variation ID: 864040). Algorithms developed to predict the effect of missense changes on protein structure and function are either unavailable or do not agree on the potential impact of this missense change (SIFT: "Tolerated"; PolyPhen-2: "Possibly Damaging"; Align-GVGD: "Class C0"). Algorithms developed to predict the effect of sequence changes on RNA splicing suggest that this variant may create or strengthen a splice site. In summary, the available evidence is currently insufficient to determine the role of this variant in disease. Therefore, it has been classified as a Variant of Uncertain Significance.

NM_003705.5(SLC25A12):c.422G>A (p.Arg141Gln)

Gene: SLC25A12 (solute carrier family 25 member 12; minus strand). Cytogenetic location: 2q31.1.
Variant type: single nucleotide variant.
Coding change: c.422G>A on transcript NM_003705.5 (MANE Select); coding-DNA position 422, G replaced by A.
Protein change: p.Arg141Gln; replaces arginine 141 with glutamine.
Molecular consequence: missense variant. On other transcripts: non-coding transcript variant (1).
Genome position (GRCh38, 1-based): chr2:171,844,412, C>T on the plus strand (G>A on the coding strand, the complement: SLC25A12 is on the minus strand). VCF-style: chr2-171844412-C-T. GRCh37 (hg19) VCF-style: chr2-172700922-C-T.
Other names: short protein forms R141Q.
Identifiers: ClinVar variation 864040 (VCV000864040.7), dbSNP rs758739467, ClinGen allele CA349625629.